The following is an entry in ClinVar:

ClinVar aggregate classification (germline): Pathogenic (1 of 4 stars; one submission).

Submission:

Quest Diagnostics Nichols Institute San Juan Capistrano
Classification: Pathogenic. Last evaluated: 2022-08-15. Review status: criteria provided, single submitter. Criteria: ACMG/ClinGen CNV Guidelines, 2019. Collection method: clinical testing. Allele origin: unknown.
Comment: This copy number gain is consistent with the known chromosome 3q29 microduplication syndrome region (OMIM 611936, Ballif 2008, Coyan 2020, Fernandez-Jaen 2014, Goobie 2008, Lisi 2008, Pollak 2020, Streata 2020, Tassano 2018, Vitale 2018). While studies focusing on individuals with neurodevelopmental disorders did not find significant enrichment of 3q29 duplications in cases vs. controls (Coe 2014, Cooper 2011), incomplete penetrance has been suggested and there have been multiple instances of individuals inheriting the duplication from affected parents or from parents with subclinical presentation (Coyan 2020, Vitale 2018). There are no similar copy number gains spanning the entirety of the current interval in the general populations of the Database of Genomic Variants. Thus, based on gene content and current medical literature, this copy number variant (CNV) is classified as pathogenic. References: Ballif et al., Mol Cytogenet. 2008 Apr 28;1:8. PMID: 18471269 Coe et al., Nat Genet. 2014 Oct;46(10):1063-71. PMID: 25217958 Cooper et al., Nat Genet. 2011 Aug 14;43(9):838-46. PMID: 21841781 Coyan et al., Eur J Med Genet. 2020 Dec;63(12):104083. PMID: 33039685 Fernandez-Jaen et al., Am J Med Genet A. 2014 Aug;164A(8):2043-7. PMID: 24838842 Goobie et al., Cytogenet Genome Res. 2008;123(1-4):65-78. PMID: 19287140 Lisi et al., Am J Med Genet A. 2008 Mar 1;146A(5):601-9. PMID: 18241066 Pollak et al., Am J Med Genet A. 2020 May;182(5):1152-1166. PMID: 32154651 Streata et al., Curr Health Sci J. 2020 Apr-Jun;46(2):193-197. PMID: 32874693 Tassano et al., Eur J Med Genet. 2018 Aug;61(8):428-433. PMID: 29501613 Vitale et al., Clin Chem Lab Med. 2018 Jun 27;56(7):e167-e170. PMID: 29306915

GRCh37/hg19 3q29(chr3:196190723-197605588)x3

Genes: BDH1 (3-hydroxybutyrate dehydrogenase 1), CEP19 (centrosomal protein 19; minus strand), DLG1 (discs large MAGUK scaffold protein 1; minus strand), FBXO45 (F-box protein 45; plus strand), FYTTD1 (forty-two-three domain containing 1; plus strand) and 12 more. Cytogenetic location: 3q29.
Variant type: copy number gain.
Change: copy number 3 (three copies instead of two) of chr3:196,190,723-197,605,588 (1.41 Mb, GRCh37 coordinates, 1-based), cytogenetic band 3q29.
Identifiers: ClinVar variation 2685951 (VCV002685951.1).